The following is an entry in ClinVar:

NM_001257180.2(SLC20A2):c.1504C>T (p.His502Tyr)

Gene: SLC20A2 (solute carrier family 20 member 2; minus strand). Cytogenetic location: 8p11.21.
Variant type: single nucleotide variant.
Coding change: c.1504C>T on transcript NM_001257180.2 (MANE Select); coding-DNA position 1504, C replaced by T.
Protein change: p.His502Tyr; replaces histidine 502 with tyrosine.
Molecular consequence: missense variant.
Genome position (GRCh38, 1-based): chr8:42,437,008, G>A on the plus strand (C>T on the coding strand, the complement: SLC20A2 is on the minus strand). VCF-style: chr8-42437008-G-A. GRCh37 (hg19) VCF-style: chr8-42294526-G-A.
Other names: c.1504C>T, p.His502Tyr (NM_001257181.2, NM_006749.5); c.1504C>T (NM_006749.3); short protein forms H502Y.
Identifiers: ClinVar variation 2770332 (VCV002770332.4), dbSNP rs2487174815, ClinGen allele CA371096530.

ClinVar aggregate classification (germline): Uncertain significance. Review status: criteria provided, multiple submitters, no conflicts (2 of 4 stars). 2 submissions from 2 submitters: Uncertain significance (2). Last evaluated 2025-08-13.

Conditions:
Inborn genetic diseases. Identifiers: MedGen C0950123, MeSH D030342.

Submissions (2):

Ambry Genetics
Classification: Uncertain significance for Inborn genetic diseases. Last evaluated: 2025-08-13. Review status: criteria provided, single submitter. Criteria: Ambry Variant Classification Scheme 2023. Collection method: clinical testing. Allele origin: germline.

Labcorp Genetics (formerly Invitae), Labcorp
Classification: Uncertain significance. Last evaluated: 2023-10-20. Review status: criteria provided, single submitter. Criteria: Invitae Variant Classification Sherloc (09022015). Collection method: clinical testing. Allele origin: germline.
Comment: This sequence change replaces histidine, which is basic and polar, with tyrosine, which is neutral and polar, at codon 502 of the SLC20A2 protein (p.His502Tyr). This variant is not present in population databases (gnomAD no frequency). This variant has not been reported in the literature in individuals affected with SLC20A2-related conditions. Advanced modeling of protein sequence and biophysical properties (such as structural, functional, and spatial information, amino acid conservation, physicochemical variation, residue mobility, and thermodynamic stability) performed at Invitae indicates that this missense variant is expected to disrupt SLC20A2 protein function with a positive predictive value of 80%. In summary, the available evidence is currently insufficient to determine the role of this variant in disease. Therefore, it has been classified as a Variant of Uncertain Significance.